The following is an entry in ClinVar:

NM_002739.5(PRKCG):c.1905+5G>A

Gene: PRKCG (protein kinase C gamma; plus strand). Cytogenetic location: 19q13.42.
Variant type: single nucleotide variant.
Coding change: c.1905+5G>A on transcript NM_002739.5 (MANE Select); 5 bases into the intron after coding-DNA position 1905, G replaced by A.
Molecular consequence: intron variant.
Genome position (GRCh38, 1-based): chr19:53,906,462, G>A. VCF-style: chr19-53906462-G-A. GRCh37 (hg19) VCF-style: chr19-54409716-G-A.
Other names: c.1905+5G>A (NM_001316329.2).
Identifiers: ClinVar variation 1704745 (VCV001704745.2), dbSNP rs2514586293, ClinGen allele CA2580097754.
Genomic context (GRCh38, chr19:53,906,462, plus strand): 5'-TTGACTGGGAGCGGCTGGAACGATTGGAGATCCCGCCTCCTTTCAGACCCCGCCCGGTCA[G>A]TCACCCTCCAGGCAACAAAAACCTGGTCCCTGAAGGGGTGGGGTTCCCCTGGGCCTCAAT-3'

ClinVar aggregate classification (germline): Uncertain significance (1 of 4 stars; one submission).

gnomAD v4.1: 1 of 1,574,476 alleles (0.000064%); highest among the groups gnomAD compares: Non-Finnish European, 0.000086%; no homozygotes.

Submission:

GeneDx
Classification: Uncertain significance. Last evaluated: 2022-03-10. Review status: criteria provided, single submitter. Criteria: GeneDx Variant Classification Process June 2021. Collection method: clinical testing. Allele origin: germline. Affected: yes.
Comment: Not observed at significant frequency in large population cohorts (gnomAD); Non-canonical splice site variant demonstrated to result in loss-of-function in a gene for which loss-of-function is not a well-established mechanism of disease.; Has not been previously published as pathogenic or benign to our knowledge